The following is an entry in ClinVar:

ClinVar aggregate classification (germline): Uncertain significance (1 of 4 stars; one submission).

Allele frequency attached by ClinVar (database versions not stated): gnomAD 0.00001.
gnomAD v4.1: 2 of 1,612,680 alleles (0.00012%); highest among the groups gnomAD compares: Non-Finnish European, 0.00017%; no homozygotes.

Submission:

Labcorp Genetics (formerly Invitae), Labcorp
Classification: Uncertain significance. Last evaluated: 2021-04-24. Review status: criteria provided, single submitter. Criteria: Invitae Variant Classification Sherloc (09022015). Collection method: clinical testing. Allele origin: germline.
Comment: This variant has not been reported in the literature in individuals with CFAP410-related conditions. In summary, the available evidence is currently insufficient to determine the role of this variant in disease. Therefore, it has been classified as a Variant of Uncertain Significance. Algorithms developed to predict the effect of missense changes on protein structure and function are either unavailable or do not agree on the potential impact of this missense change (SIFT: "Deleterious"; PolyPhen-2: "Probably Damaging"; Align-GVGD: "Class C15"). This variant is not present in population databases (ExAC no frequency). This sequence change replaces leucine with valine at codon 80 of the CFAP410 protein (p.Leu80Val). The leucine residue is highly conserved and there is a small physicochemical difference between leucine and valine.

NM_004928.3(CFAP410):c.238C>G (p.Leu80Val)

Gene: CFAP410 (cilia and flagella associated protein 410; minus strand). Cytogenetic location: 21q22.3.
Variant type: single nucleotide variant.
Coding change: c.238C>G on transcript NM_004928.3 (MANE Select); coding-DNA position 238, C replaced by G.
Protein change: p.Leu80Val; replaces leucine 80 with valine.
Molecular consequence: missense variant.
Genome position (GRCh38, 1-based): chr21:44,333,168, G>C on the plus strand (C>G on the coding strand, the complement: CFAP410 is on the minus strand). VCF-style: chr21-44333168-G-C. GRCh37 (hg19) VCF-style: chr21-45753051-G-C.
Other names: c.238C>G, p.Leu80Val (NM_001271440.2, NM_001271441.2); c.115C>G, p.Leu39Val (NM_001271442.1); short protein forms L39V, L80V.
Identifiers: ClinVar variation 1473404 (VCV001473404.8), dbSNP rs1472654893, ClinGen allele CA410457063.
Genomic context (GRCh38, chr21:44,333,168, plus strand): 5'-AGCACGGGTTCTCGGCCAGCCACAGCACCCGCAGACGCGGCAGCCCCTTCAGGTAGAAGA[G>C]CTCAGCCAGGCTGGGGATGCGGTTCCTCCGCAGGTACAGCTCACTCAGGCGCTGGCACCG-3'
Protein context (NP_004919.1, residues 70-90): RRNRIPSLAE[Leu80Val]FYLKGLPRLR